The following is an entry in ClinVar:

NM_000440.3(PDE6A):c.1747T>A (p.Tyr583Asn)

Gene: PDE6A (phosphodiesterase 6A; minus strand). Cytogenetic location: 5q32.
Variant type: single nucleotide variant.
Coding change: c.1747T>A on transcript NM_000440.3 (MANE Select); coding-DNA position 1747, T replaced by A.
Protein change: p.Tyr583Asn; replaces tyrosine 583 with asparagine.
Molecular consequence: missense variant.
Genome position (GRCh38, 1-based): chr5:149,886,356, A>T on the plus strand (T>A on the coding strand, the complement: PDE6A is on the minus strand). VCF-style: chr5-149886356-A-T. GRCh37 (hg19) VCF-style: chr5-149265919-A-T.
Other names: short protein forms Y583N.
Identifiers: ClinVar variation 1284418 (VCV001284418.8), dbSNP rs1752305008, ClinGen allele CA361693895.

ClinVar aggregate classification (germline): Uncertain significance. Review status: criteria provided, multiple submitters, no conflicts (2 of 4 stars). 4 submissions from 4 submitters: Uncertain significance (2). 2 of the submissions do not count toward it. Last evaluated 2026-03-27.

Submissions (4):

Women's Health and Genetics/Laboratory Corporation of America, LabCorp
Classification: Uncertain significance. Last evaluated: 2026-03-27. Review status: criteria provided, single submitter. Criteria: LabCorp Variant Classification Summary - May 2015. Collection method: clinical testing. Allele origin: germline.
Comment: Variant summary: PDE6A c.1747T>A (p.Tyr583Asn) results in a non-conservative amino acid change in the encoded protein sequence. Algorithms developed to predict the effect of missense changes on protein structure and function all suggest that this variant is likely to be disruptive. The variant was absent in 251344 control chromosomes (gnomAD). c.1747T>A has been observed in individuals affected with Retinitis pigmentosa (Liu_2020, Li_2022, internal data). These data indicate that the variant may be associated with disease. To our knowledge, no experimental evidence demonstrating an impact on protein function has been reported. The following publications have been ascertained in the context of this evaluation (PMID: 35033039, 33090715). ClinVar contains an entry for this variant (Variation ID: 1284418). Based on the evidence outlined above, the variant was classified as VUS-possibly pathogenic.

Labcorp Genetics (formerly Invitae), Labcorp
Classification: Uncertain significance. Last evaluated: 2023-03-17. Review status: criteria provided, single submitter. Criteria: Invitae Variant Classification Sherloc (09022015). Collection method: clinical testing. Allele origin: germline.
Comment: This missense change has been observed in individuals with clinical features of retinitis pigmentosa (PMID: 33090715; Invitae). This variant is not present in population databases (gnomAD no frequency). This sequence change replaces tyrosine, which is neutral and polar, with asparagine, which is neutral and polar, at codon 583 of the PDE6A protein (p.Tyr583Asn). ClinVar contains an entry for this variant (Variation ID: 1284418). In summary, the available evidence is currently insufficient to determine the role of this variant in disease. Therefore, it has been classified as a Variant of Uncertain Significance. Advanced modeling of protein sequence and biophysical properties (such as structural, functional, and spatial information, amino acid conservation, physicochemical variation, residue mobility, and thermodynamic stability) has been performed at Invitae for this missense variant, however the output from this modeling did not meet the statistical confidence thresholds required to predict the impact of this variant on PDE6A protein function.

Clinical Genetics, Academic Medical Center
Classification: Uncertain significance. Review status: no assertion criteria provided. Collection method: clinical testing. Allele origin: germline. Affected: yes. Study: VKGL Data-share Consensus. Not counted in ClinVar's aggregate classification.

Joint Genome Diagnostic Labs from Nijmegen and Maastricht, Radboudumc and MUMC+
Classification: Uncertain significance. Review status: no assertion criteria provided. Collection method: clinical testing. Allele origin: germline. Affected: yes. Study: VKGL Data-share Consensus. Not counted in ClinVar's aggregate classification.

Literature cited by the submitters: PubMed 33090715 (cited by Women's Health and Genetics/Laboratory Corporation of America, LabCorp and Labcorp Genetics (formerly Invitae), Labcorp); PubMed 35033039 (cited by Women's Health and Genetics/Laboratory Corporation of America, LabCorp).